The following is an entry in ClinVar:

ClinVar aggregate classification (germline): Uncertain significance (1 of 4 stars; one submission).

Conditions:
PCSK1-related disorder. Also called: PCSK1-related condition.

gnomAD v4.1: 16 of 1,612,512 alleles (0.00099%); highest among the groups gnomAD compares: African/African-American, 0.0027%; no homozygotes.

Submission:

PreventionGenetics, part of Exact Sciences
Classification: Uncertain significance for PCSK1-related condition. Last evaluated: 2025-12-15. Review status: criteria provided, single submitter. Criteria: ACMG Guidelines, 2015. Collection method: clinical testing. Allele origin: germline.
Comment: The PCSK1 c.329G>A variant is predicted to result in the amino acid substitution p.Arg110His. This variant has been observed in a cohort of obese individuals, and in vitro functional studies show strong evidence of loss of function (Table 1, AbouHashem et al. 2022. PubMed ID: 35026759; Supplemental Data Set, Shah et al. 2023, PubMed ID: 36864747). Another substitution affecting the same amino acid, p.Arg110Cys, has also showed evidence of loss of function in the same experimental studies and has been reported in individuals with obesity (Supplemental Data Set, Shah et al. 2023, PubMed ID: 36864747; Table S1, Kleinendorst et al. 2018. PubMed ID: 29970488; Campos et al. 2022. PubMed ID: 35654930). The p.Arg110His variant is reported in 0.0080% of alleles in individuals of African descent in gnomAD. Although we suspect that this variant may be pathogenic, at this time, the clinical significance of this variant is uncertain due to the absence of conclusive functional and genetic evidence.

NM_000439.5(PCSK1):c.329G>A (p.Arg110His)

Genes: CAST (calpastatin; plus strand), PCSK1 (proprotein convertase subtilisin/kexin type 1; minus strand), LOC101929710 (uncharacterized LOC101929710; plus strand). Cytogenetic location: 5q15.
Variant type: single nucleotide variant.
Coding change: c.329G>A on transcript NM_000439.5 (MANE Select); coding-DNA position 329, G replaced by A.
Protein change: p.Arg110His; replaces arginine 110 with histidine.
Molecular consequence: missense variant. On other transcripts: intron variant (11).
Genome position (GRCh38, 1-based): chr5:96,425,887, C>T on the plus strand (G>A on the coding strand, the complement: PCSK1 is on the minus strand). VCF-style: chr5-96425887-C-T. GRCh37 (hg19) VCF-style: chr5-95761591-C-T.
Other names: c.188G>A, p.Arg63His (NM_001177875.2); c.-175+46235C>T (NM_001423254.1, NM_001423259.1, NM_001423255.1 and 6 more transcripts); c.-103+46235C>T (NM_001423253.1); c.-40+46235C>T (NM_001423258.1); short protein forms R110H, R63H.
Identifiers: ClinVar variation 3355562 (VCV003355562.2).